The following is an entry in ClinVar:

ClinVar aggregate classification (germline): Likely benign (1 of 4 stars; one submission).

Allele frequency attached by ClinVar (database versions not stated): TOPMed below 0.00001; gnomAD 0.00001.
gnomAD v4.1: 1 of 1,610,044 alleles (0.000062%); highest among the groups gnomAD compares: African/African-American, 0.0013%; no homozygotes.

Submission:

GeneDx
Classification: Likely benign. Last evaluated: 2017-04-17. Review status: criteria provided, single submitter. Criteria: GeneDx Variant Classification (06012015). Collection method: clinical testing. Allele origin: germline. Affected: yes.
Comment: This variant is considered likely benign or benign based on one or more of the following criteria: it is a conservative change, it occurs at a poorly conserved position in the protein, it is predicted to be benign by multiple in silico algorithms, and/or has population frequency not consistent with disease.

NM_020944.3(GBA2):c.1794A>C (p.Pro598=)

Gene: GBA2 (glucosylceramidase beta 2; minus strand). Cytogenetic location: 9p13.3.
Variant type: single nucleotide variant.
Coding change: c.1794A>C on transcript NM_020944.3 (MANE Select); coding-DNA position 1794, A replaced by C.
Protein change: p.Pro598=; no amino-acid change (proline 598 retained).
Molecular consequence: synonymous variant.
Genome position (GRCh38, 1-based): chr9:35,739,003, T>G on the plus strand (A>C on the coding strand, the complement: GBA2 is on the minus strand). VCF-style: chr9-35739003-T-G. GRCh37 (hg19) VCF-style: chr9-35739000-T-G.
Other names: c.1794A>C, p.Pro598= (NM_001330660.2).
Identifiers: ClinVar variation 509047 (VCV000509047.1), dbSNP rs1401792284, ClinGen allele CA464614185.